The following is an entry in ClinVar:

ClinVar aggregate classification (germline): Uncertain significance. Review status: criteria provided, multiple submitters, no conflicts (2 of 4 stars). 2 submissions from 2 submitters: Uncertain significance (2). Last evaluated 2023-05-17.

Conditions:
Ellis-van Creveld syndrome (EVC). Also called: Chondroectodermal dysplasia; MESOECTODERMAL DYSPLASIA. Identifiers: Orphanet 289, MedGen C0013903, MONDO:0009162, OMIM 225500.
Curry-Hall syndrome (WAD). Also called: WEYERS ACRODENTAL DYSOSTOSIS. Identifiers: Orphanet 952, MedGen C0457013, MONDO:0008673, OMIM 193530.

Allele frequency attached by ClinVar (database versions not stated): 1000 Genomes Project 30x 0.00047; 1000 Genomes Project 0.00060.
gnomAD v4.1: 50 of 1,614,184 alleles (0.0031%); highest among the groups gnomAD compares: African/African-American, 0.024%; no homozygotes.

Submissions (2):

Blueprint Genetics
Classification: Uncertain significance. Last evaluated: 2023-05-17. Review status: criteria provided, single submitter. Criteria: ACMG Guidelines, 2015. Collection method: clinical testing. Allele origin: germline.

Labcorp Genetics (formerly Invitae), Labcorp
Classification: Uncertain significance for Curry-Hall syndrome; Ellis-van Creveld syndrome. Last evaluated: 2022-06-05. Review status: criteria provided, single submitter. Criteria: Invitae Variant Classification Sherloc (09022015). Collection method: clinical testing. Allele origin: germline.
Comment: This sequence change replaces arginine, which is basic and polar, with glutamine, which is neutral and polar, at codon 396 of the EVC protein (p.Arg396Gln). This variant is present in population databases (rs542667023, gnomAD 0.02%). This variant has not been reported in the literature in individuals affected with EVC-related conditions. Algorithms developed to predict the effect of missense changes on protein structure and function are either unavailable or do not agree on the potential impact of this missense change (SIFT: "Deleterious"; PolyPhen-2: "Probably Damaging"; Align-GVGD: "Class C0"). In summary, the available evidence is currently insufficient to determine the role of this variant in disease. Therefore, it has been classified as a Variant of Uncertain Significance.

NM_153717.3(EVC):c.1187G>A (p.Arg396Gln)

Gene: EVC (EvC ciliary complex subunit 1; plus strand). Cytogenetic location: 4p16.2.
Variant type: single nucleotide variant.
Coding change: c.1187G>A on transcript NM_153717.3 (MANE Select); coding-DNA position 1187, G replaced by A.
Protein change: p.Arg396Gln; replaces arginine 396 with glutamine.
Molecular consequence: missense variant.
Genome position (GRCh38, 1-based): chr4:5,752,924, G>A. VCF-style: chr4-5752924-G-A. GRCh37 (hg19) VCF-style: chr4-5754651-G-A.
Other names: c.1187G>A, p.Arg396Gln (NM_001306090.2, NM_001306092.2); short protein forms R396Q.
Identifiers: ClinVar variation 2077914 (VCV002077914.2), dbSNP rs542667023, ClinGen allele CA2836028.